The following is an entry in ClinVar:

ClinVar aggregate classification (germline): Conflicting classifications of pathogenicity. Review status: criteria provided, conflicting classifications (1 of 4 stars). 2 submissions from 2 submitters: Uncertain significance (1); Benign (1). Last evaluated 2026-08-25.

Conditions:
EP300-related disorder. Also called: EP300-related disorders; EP300-related condition.
Rubinstein-Taybi syndrome due to EP300 haploinsufficiency. Also called: EP300-Related Rubinstein-Taybi Syndrome; RUBINSTEIN-TAYBI SYNDROME 2. Identifiers: Orphanet 353284, Orphanet 783, MedGen C3150941, MONDO:0013364, OMIM 613684.

gnomAD v4.1: 7 of 1,613,526 alleles (0.00043%); highest among the groups gnomAD compares: African/African-American, 0.0053%; no homozygotes.

Submissions (2):

PreventionGenetics, part of Exact Sciences
Classification: Uncertain significance for EP300-related condition. Last evaluated: 2026-08-25. Review status: criteria provided, single submitter. Criteria: ACMG Guidelines, 2015. Collection method: clinical testing. Allele origin: germline.
Comment: The EP300 c.410G>C variant is predicted to result in the amino acid substitution p.Gly137Ala. To our knowledge, this variant has not been reported in the literature. This variant is reported in 0.0080% of alleles in individuals of African descent in gnomAD. Although we suspect that this variant may be benign, at this time, the clinical significance of this variant is uncertain due to the absence of conclusive functional and genetic evidence.

Labcorp Genetics (formerly Invitae), Labcorp
Classification: Benign for Rubinstein-Taybi syndrome due to EP300 haploinsufficiency. Last evaluated: 2024-11-15. Review status: criteria provided, single submitter. Criteria: Invitae Variant Classification Sherloc (09022015). Collection method: clinical testing. Allele origin: germline.

NM_001429.4(EP300):c.410G>C (p.Gly137Ala)

Gene: EP300 (EP300 lysine acetyltransferase; plus strand). Cytogenetic location: 22q13.2.
Variant type: single nucleotide variant.
Coding change: c.410G>C on transcript NM_001429.4 (MANE Select); coding-DNA position 410, G replaced by C.
Protein change: p.Gly137Ala; replaces glycine 137 with alanine.
Molecular consequence: missense variant.
Genome position (GRCh38, 1-based): chr22:41,117,502, G>C. VCF-style: chr22-41117502-G-C. GRCh37 (hg19) VCF-style: chr22-41513506-G-C.
Other names: c.410G>C, p.Gly137Ala (NM_001362843.2); c.410G>C (NM_001429.3); short protein forms G137A.
Identifiers: ClinVar variation 3655645 (VCV003655645.3).